The following is an entry in ClinVar:

ClinVar aggregate classification (germline): Conflicting classifications of pathogenicity. Review status: criteria provided, conflicting classifications (1 of 4 stars). 2 submissions from 2 submitters: Likely pathogenic (1); Uncertain significance (1). Last evaluated 2025-11-08.

Conditions:
Neonatal-onset encephalopathy with rigidity and seizures. Also called: Lethal neonatal spasticity-epileptic encephalopathy syndrome. Identifiers: Orphanet 435845, MedGen C3281029, MONDO:0013784, OMIM 614498.

Submissions (2):

GeneDx
Classification: Likely pathogenic. Last evaluated: 2025-11-08. Review status: criteria provided, single submitter. Criteria: GeneDx Variant Classification Process June 2021. Collection method: clinical testing. Allele origin: germline. Affected: yes.
Comment: Frameshift variant predicted to result in abnormal protein length as the last 25 amino acids are replaced with 80 different amino acids; Has not been previously published as pathogenic or benign to our knowledge; Not observed at significant frequency in large population cohorts (gnomAD)

Labcorp Genetics (formerly Invitae), Labcorp
Classification: Uncertain significance for Neonatal-onset encephalopathy with rigidity and seizures. Last evaluated: 2024-02-17. Review status: criteria provided, single submitter. Criteria: Invitae Variant Classification Sherloc (09022015). Collection method: clinical testing. Allele origin: germline.
Comment: This sequence change creates a premature translational stop signal (p.Lys797Glufs*81) in the BRAT1 gene. While this is not anticipated to result in nonsense mediated decay, it is expected to disrupt the last 25 amino acid(s) of the BRAT1 protein. This variant is not present in population databases (gnomAD no frequency). This variant has not been reported in the literature in individuals affected with BRAT1-related conditions. ClinVar contains an entry for this variant (Variation ID: 861414). In summary, the available evidence is currently insufficient to determine the role of this variant in disease. Therefore, it has been classified as a Variant of Uncertain Significance.

NM_152743.4(BRAT1):c.2389_2390del (p.Lys797fs)

Gene: BRAT1 (BRCA1 associated ATM activator 1; minus strand). Cytogenetic location: 7p22.3.
Variant type: Deletion.
Coding change: c.2389_2390del on transcript NM_152743.4 (MANE Select); coding-DNA positions 2389 to 2390, 2 bases deleted (AA; older notation c.2389_2390delAA).
Protein change: p.Lys797fs; shifts the reading frame from lysine 797.
Molecular consequence: frameshift variant. On other transcripts: non-coding transcript variant (1).
Genome position (GRCh38, 1-based): chr7:2,538,145-2,538,146, TT deleted on the plus strand (AA on the coding strand, the reverse complement: BRAT1 is on the minus strand); deleting any 2 consecutive bases within chr7:2,538,145-2,538,148 gives the same sequence; the c. name uses the placement nearest the transcript's 3' end. VCF-style (leftmost placement, unchanged base first): chr7-2538144-CTT-C. GRCh37 (hg19) VCF-style: chr7-2577778-CTT-C.
Other names: c.2569_2570del, p.Lys857fs (NM_001350626.2); c.1864_1865del, p.Lys622fs (NM_001350627.2); short protein forms K797fs, K622fs, K857fs.
Identifiers: ClinVar variation 861414 (VCV000861414.11), dbSNP rs1778824262, ClinGen allele CA916082911.